The following is an entry in ClinVar:

ClinVar aggregate classification (germline): Likely benign (1 of 4 stars; one submission).

Allele frequency attached by ClinVar (database versions not stated): ExAC 0.00001; gnomAD 0.00001; TOPMed 0.00002; gnomAD exomes 0.00003.
gnomAD v4.1: 50 of 1,603,798 alleles (0.0031%); highest among the groups gnomAD compares: Middle Eastern, 0.066%; no homozygotes.

Submission:

CeGaT Center for Human Genetics Tuebingen
Classification: Likely benign. Last evaluated: 2023-05-01. Review status: criteria provided, single submitter. Criteria: CeGaT Center For Human Genetics Tuebingen Variant Classification Criteria Version 2. Collection method: clinical testing. Allele origin: germline. Affected: yes. Observed: 1 variant allele.
Comment: VARS1: BP4, BP7

NM_006295.3(VARS1):c.3432C>T (p.Gly1144=)

Gene: VARS1 (valyl-tRNA synthetase 1; minus strand). Cytogenetic location: 6p21.33.
Variant type: single nucleotide variant.
Coding change: c.3432C>T on transcript NM_006295.3 (MANE Select); coding-DNA position 3432, C replaced by T.
Protein change: p.Gly1144=; no amino-acid change (glycine 1144 retained).
Molecular consequence: synonymous variant.
Genome position (GRCh38, 1-based): chr6:31,779,261, G>A on the plus strand (C>T on the coding strand, the complement: VARS1 is on the minus strand). VCF-style: chr6-31779261-G-A. GRCh37 (hg19) VCF-style: chr6-31747038-G-A.
Identifiers: ClinVar variation 2571247 (VCV002571247.27), dbSNP rs769749489, ClinGen allele CA3722668.